The following is an entry in ClinVar:

NM_030665.4(RAI1):c.1664C>T (p.Thr555Ile)

Gene: RAI1 (retinoic acid induced 1; plus strand). Cytogenetic location: 17p11.2.
Variant type: single nucleotide variant.
Coding change: c.1664C>T on transcript NM_030665.4 (MANE Select); coding-DNA position 1664, C replaced by T.
Protein change: p.Thr555Ile; replaces threonine 555 with isoleucine.
Molecular consequence: missense variant.
Genome position (GRCh38, 1-based): chr17:17,794,612, C>T. VCF-style: chr17-17794612-C-T. GRCh37 (hg19) VCF-style: chr17-17697926-C-T.
Other names: short protein forms T555I.
Identifiers: ClinVar variation 2152276 (VCV002152276.4), dbSNP rs2508577202, ClinGen allele CA398548928.

ClinVar aggregate classification (germline): Uncertain significance (1 of 4 stars; one submission).

Submission:

Labcorp Genetics (formerly Invitae), Labcorp
Classification: Uncertain significance. Last evaluated: 2022-02-08. Review status: criteria provided, single submitter. Criteria: Invitae Variant Classification Sherloc (09022015). Collection method: clinical testing. Allele origin: germline.
Comment: This sequence change replaces threonine, which is neutral and polar, with isoleucine, which is neutral and non-polar, at codon 555 of the RAI1 protein (p.Thr555Ile). This variant is not present in population databases (gnomAD no frequency). This missense change has been observed in individual(s) with clinical features of RAI1-related conditions (PMID: 31981491). Algorithms developed to predict the effect of missense changes on protein structure and function (SIFT, PolyPhen-2, Align-GVGD) all suggest that this variant is likely to be disruptive. In summary, the available evidence is currently insufficient to determine the role of this variant in disease. Therefore, it has been classified as a Variant of Uncertain Significance.

Literature cited by the submitters: PubMed 31981491.